The following is an entry in ClinVar:

NM_005188.4(CBL):c.85A>G (p.Met29Val)

Genes: CBL (Cbl proto-oncogene; plus strand), LOC130006895 (ATAC-STARR-seq lymphoblastoid silent region 3975; plus strand). Cytogenetic location: 11q23.3.
Variant type: single nucleotide variant.
Coding change: c.85A>G on transcript NM_005188.4 (MANE Select); coding-DNA position 85, A replaced by G.
Protein change: p.Met29Val; replaces methionine 29 with valine.
Molecular consequence: missense variant.
Genome position (GRCh38, 1-based): chr11:119,206,502, A>G. VCF-style: chr11-119206502-A-G. GRCh37 (hg19) VCF-style: chr11-119077212-A-G.
Other names: c.85A>G (NM_005188.2); short protein forms M29V.
Identifiers: ClinVar variation 2716704 (VCV002716704.4), dbSNP rs1162552691, ClinGen allele CA382976020.

ClinVar aggregate classification (germline): Uncertain significance. Review status: criteria provided, multiple submitters, no conflicts (2 of 4 stars). 2 submissions from 2 submitters: Uncertain significance (2). Last evaluated 2025-07-29.

Conditions:
RASopathy. Also called: rasopathies; Noonan spectrum disorder. Identifiers: Orphanet 536391, MedGen C5555857, MONDO:0021060.
Cardiovascular phenotype. Identifiers: MedGen CN230736.

Allele frequency attached by ClinVar (database versions not stated): gnomAD exomes below 0.00001; gnomAD 0.00001; TOPMed 0.00002.

Submissions (2):

Labcorp Genetics (formerly Invitae), Labcorp
Classification: Uncertain significance for RASopathy. Last evaluated: 2025-07-29. Review status: criteria provided, single submitter. Criteria: Invitae Variant Classification Sherloc (09022015). Collection method: clinical testing. Allele origin: germline.
Comment: This sequence change replaces methionine, which is neutral and non-polar, with valine, which is neutral and non-polar, at codon 29 of the CBL protein (p.Met29Val). This variant is present in population databases (no rsID available, gnomAD 0.003%). This variant has not been reported in the literature in individuals affected with CBL-related conditions. ClinVar contains an entry for this variant (Variation ID: 2716704). Invitae Evidence Modeling of protein sequence and biophysical properties (such as structural, functional, and spatial information, amino acid conservation, physicochemical variation, residue mobility, and thermodynamic stability) indicates that this missense variant is not expected to disrupt CBL protein function with a negative predictive value of 95%. In summary, the available evidence is currently insufficient to determine the role of this variant in disease. Therefore, it has been classified as a Variant of Uncertain Significance.

Ambry Genetics
Classification: Uncertain significance for Cardiovascular phenotype. Last evaluated: 2024-03-24. Review status: criteria provided, single submitter. Criteria: Ambry Variant Classification Scheme 2023. Collection method: clinical testing. Allele origin: germline.
Comment: The p.M29V variant (also known as c.85A>G), located in coding exon 1 of the CBL gene, results from an A to G substitution at nucleotide position 85. The methionine at codon 29 is replaced by valine, an amino acid with highly similar properties. This amino acid position is conserved. In addition, this alteration is predicted to be tolerated by in silico analysis. Based on the available evidence, the clinical significance of this alteration remains unclear.